The following is an entry in ClinVar:

ClinVar aggregate classification (germline): Conflicting classifications of pathogenicity. Review status: criteria provided, conflicting classifications (1 of 4 stars). 7 submissions from 7 submitters: Uncertain significance (5); Likely benign (2). Last evaluated 2025-12-10.

Conditions:
Hereditary breast ovarian cancer syndrome. Also called: Hereditary breast and ovarian cancer syndrome; BRCA1- and BRCA2-Associated Hereditary Breast and Ovarian Cancer; Breast and ovarian cancer; Hereditary breast and/or ovarian cancer syndrome; Hereditary breast and ovarian cancer; Hereditary breast and ovarian cancer syndrome (HBOC). Identifiers: Orphanet 145, MedGen C0677776, MeSH D061325, MONDO:0003582. Disease mechanism: loss of function.
Hereditary cancer-predisposing syndrome. Also called: Neoplastic Syndromes, Hereditary; Tumor predisposition; Hereditary Cancer Syndrome; Hereditary neoplastic syndrome. Identifiers: Orphanet 140162, MedGen C0027672, MeSH D009386, MONDO:0015356.

Allele frequency attached by ClinVar (database versions not stated): gnomAD 0.00001 and 0.00002; gnomAD exomes 0.00001; ExAC 0.00002.
gnomAD v4.1: 10 of 1,612,278 alleles (0.00062%); highest among the groups gnomAD compares: South Asian, 0.0077%; no homozygotes.

Submissions (7):

Labcorp Genetics (formerly Invitae), Labcorp
Classification: Uncertain significance for Hereditary breast ovarian cancer syndrome. Last evaluated: 2025-12-10. Review status: criteria provided, single submitter. Criteria: Invitae Variant Classification Sherloc (09022015). Collection method: clinical testing. Allele origin: germline.
Comment: This sequence change replaces isoleucine, which is neutral and non-polar, with valine, which is neutral and non-polar, at codon 1034 of the BRCA2 protein (p.Ile1034Val). This variant is present in population databases (rs755227053, gnomAD 0.007%). This variant has not been reported in the literature in individuals affected with BRCA2-related conditions. ClinVar contains an entry for this variant (Variation ID: 233286). Invitae Evidence Modeling of protein sequence and biophysical properties (such as structural, functional, and spatial information, amino acid conservation, physicochemical variation, residue mobility, and thermodynamic stability) indicates that this missense variant is not expected to disrupt BRCA2 protein function with a negative predictive value of 95%. In summary, the available evidence is currently insufficient to determine the role of this variant in disease. Therefore, it has been classified as a Variant of Uncertain Significance.

GeneDx
Classification: Uncertain significance. Last evaluated: 2024-01-29. Review status: criteria provided, single submitter. Criteria: GeneDx Variant Classification Process June 2021. Collection method: clinical testing. Allele origin: germline. Affected: yes.
Comment: Not observed at significant frequency in large population cohorts (gnomAD); In silico analysis supports that this missense variant does not alter protein structure/function; Has not been previously published as pathogenic or benign to our knowledge; Also known as 3328A>G

University of Washington Department of Laboratory Medicine, University of Washington
Classification: Likely benign for Hereditary cancer-predisposing syndrome. Last evaluated: 2023-03-23. Review status: criteria provided, single submitter. Criteria: Dines et al. (Genet Med. 2020). Collection method: curation. Allele origin: germline.
Comment: Missense variant in a coldspot region where missense variants are very unlikely to be pathogenic (PMID:31911673).

BRCA2 exon 11 coldspot. Reclassification based on statistical prior probability.

Women's Health and Genetics/Laboratory Corporation of America, LabCorp
Classification: Uncertain significance. Last evaluated: 2022-12-12. Review status: criteria provided, single submitter. Criteria: LabCorp Variant Classification Summary - May 2015. Collection method: clinical testing. Allele origin: germline.

Ambry Genetics
Classification: Likely benign for Hereditary cancer-predisposing syndrome. Last evaluated: 2022-03-18. Review status: criteria provided, single submitter. Criteria: Ambry Variant Classification Scheme 2023. Collection method: clinical testing. Allele origin: germline.

Color Diagnostics, LLC DBA Color Health
Classification: Uncertain significance for Hereditary cancer-predisposing syndrome. Last evaluated: 2019-12-05. Review status: criteria provided, single submitter. Criteria: ACMG Guidelines, 2015. Collection method: clinical testing. Allele origin: germline.
Comment: This missense variant replaces isoleucine with valine at codon 1034 of the BRCA2 protein. Computational prediction suggests that this variant may not impact protein structure and function (internally defined REVEL score threshold <= 0.5, PMID: 27666373). Splice site prediction tools suggest that this variant may not impact RNA splicing. To our knowledge, functional studies have not been performed for this variant. This variant has not been reported in individuals affected with hereditary cancer in the literature. This variant has been identified in 3/249526 chromosomes in the general population by the Genome Aggregation Database (gnomAD). The available evidence is insufficient to determine the role of this variant in disease conclusively. Therefore, this variant is classified as a Variant of Uncertain Significance.

Quest Diagnostics Nichols Institute San Juan Capistrano
Classification: Uncertain significance. Last evaluated: 2018-12-19. Review status: criteria provided, single submitter. Criteria: Quest Diagnostics criteria. Collection method: clinical testing. Allele origin: germline.

NM_000059.4(BRCA2):c.3100A>G (p.Ile1034Val)

Gene: BRCA2 (BRCA2 DNA repair associated; plus strand). Cytogenetic location: 13q13.1.
Variant type: single nucleotide variant.
Coding change: c.3100A>G on transcript NM_000059.4 (MANE Select); coding-DNA position 3100, A replaced by G.
Protein change: p.Ile1034Val; replaces isoleucine 1034 with valine.
Molecular consequence: missense variant.
Genome position (GRCh38, 1-based): chr13:32,337,455, A>G. VCF-style: chr13-32337455-A-G. GRCh37 (hg19) VCF-style: chr13-32911592-A-G.
Other names: short protein forms I1034V.
Identifiers: ClinVar variation 233286 (VCV000233286.26), dbSNP rs755227053, ClinGen allele CA6940667.